The following is an entry in ClinVar:

NM_000373.4(UMPS):c.1285G>C (p.Gly429Arg)

Gene: UMPS (uridine monophosphate synthetase; plus strand). Cytogenetic location: 3q21.2.
Variant type: single nucleotide variant.
Coding change: c.1285G>C on transcript NM_000373.4 (MANE Select); coding-DNA position 1285, G replaced by C.
Protein change: p.Gly429Arg; replaces glycine 429 with arginine.
Molecular consequence: missense variant. On other transcripts: non-coding transcript variant (2).
Genome position (GRCh38, 1-based): chr3:124,743,926, G>C. VCF-style: chr3-124743926-G-C. GRCh37 (hg19) VCF-style: chr3-124462773-G-C.
Other names: short protein forms G429R.
Identifiers: ClinVar variation 242722 (VCV000242722.3), dbSNP rs121917891, ClinGen allele CA034227.
Genomic context (GRCh38, chr3:124,743,926, plus strand): 5'-TTTCTGATTTTTGTATTATGTGAAACAACAATTTTTGTGTTTCTTGCAGGAGATAATCTT[G>C]GCCAACAGTACAATAGCCCACAAGAAGTTATTGGCAAACGAGGTTCCGATATCATCATTG-3'
Protein context (NP_000364.1, residues 419-439): VQLEAGGDNL[Gly429Arg]QQYNSPQEVI

ClinVar aggregate classification (germline): Uncertain significance. Review status: criteria provided, single submitter (1 of 4 stars). 2 submissions from 2 submitters: Uncertain significance (1). 1 of the submissions does not count toward it. Last evaluated 2025-03-05.

Conditions:
Hereditary orotic aciduria, type 1. Also called: Orotic aciduria type 1; Oroticaciduria 1. Identifiers: MedGen C0268130.

Allele frequency attached by ClinVar (database versions not stated): gnomAD 0.00003 and 0.00001; gnomAD exomes 0.00006 and 0.00002; TOPMed 0.00003; ExAC 0.00006; 1000 Genomes Project 30x 0.00016; 1000 Genomes Project 0.00020.
gnomAD v4.1: 34 of 1,614,062 alleles (0.0021%); highest among the groups gnomAD compares: East Asian, 0.071%; no homozygotes.

Submissions (2):

Labcorp Genetics (formerly Invitae), Labcorp
Classification: Uncertain significance for Hereditary orotic aciduria, type 1. Last evaluated: 2025-03-05. Review status: criteria provided, single submitter. Criteria: Invitae Variant Classification Sherloc (09022015). Collection method: clinical testing. Allele origin: germline.
Comment: This sequence change replaces glycine, which is neutral and non-polar, with arginine, which is basic and polar, at codon 429 of the UMPS protein (p.Gly429Arg). This variant is present in population databases (rs121917891, gnomAD 0.06%). This missense change has been observed in individual(s) with orotic aciduria (PMID: 9042911, 28205048). ClinVar contains an entry for this variant (Variation ID: 242722). Invitae Evidence Modeling of protein sequence and biophysical properties (such as structural, functional, and spatial information, amino acid conservation, physicochemical variation, residue mobility, and thermodynamic stability) indicates that this missense variant is expected to disrupt UMPS protein function with a positive predictive value of 80%. Experimental studies have shown that this missense change does not substantially affect UMPS function (PMID: 9042911). In summary, the available evidence is currently insufficient to determine the role of this variant in disease. Therefore, it has been classified as a Variant of Uncertain Significance.

Gharavi Laboratory, Columbia University
Classification: Likely benign. Last evaluated: 2018-09-16. Review status: no assertion criteria provided. Criteria: ACMG Guidelines, 2015. Collection method: research. Allele origin: germline. Affected: no. Not counted in ClinVar's aggregate classification.

Literature cited by the submitters: PubMed 9042911 (cited by Labcorp Genetics (formerly Invitae), Labcorp); PubMed 28205048 (cited by Labcorp Genetics (formerly Invitae), Labcorp).